The following is an entry in ClinVar:

ClinVar aggregate classification (germline): Likely benign (1 of 4 stars; one submission).

gnomAD v4.1: 171 of 1,598,612 alleles (0.011%); highest among the groups gnomAD compares: Non-Finnish European, 0.012%; no homozygotes.

Submission:

CeGaT Center for Human Genetics Tuebingen
Classification: Likely benign. Last evaluated: 2026-06-01. Review status: criteria provided, single submitter. Criteria: CeGaT Center For Human Genetics Tuebingen Variant Classification Criteria Version 2. Collection method: clinical testing. Allele origin: germline. Affected: yes. Observed: 1 variant allele.
Comment: SGSM3: BP4, BP7

NM_015705.6(SGSM3):c.2163G>A (p.Ala721=)

Gene: SGSM3 (small G protein signaling modulator 3; plus strand). Cytogenetic location: 22q13.1.
Variant type: single nucleotide variant.
Coding change: c.2163G>A on transcript NM_015705.6 (MANE Select); coding-DNA position 2163, G replaced by A.
Protein change: p.Ala721=; no amino-acid change (alanine 721 retained).
Molecular consequence: synonymous variant. On other transcripts: non-coding transcript variant (4).
Genome position (GRCh38, 1-based): chr22:40,409,516, G>A. VCF-style: chr22-40409516-G-A. GRCh37 (hg19) VCF-style: chr22-40805520-G-A.
Other names: c.1896G>A, p.Ala632= (NM_001301849.2); c.2214G>A, p.Ala738= (NM_001350039.2, NM_001350040.2); c.2163G>A, p.Ala721= (NM_001350041.2); c.2025G>A, p.Ala675= (NM_001350042.2); c.2013G>A, p.Ala671= (NM_001350043.2); c.1974G>A, p.Ala658= (NM_001350044.2, NM_001350045.2); c.1962G>A, p.Ala654= (NM_001350046.2, NM_001350047.2); c.1665G>A, p.Ala555= (NM_001350048.2).
Identifiers: ClinVar variation 4871949 (VCV004871949.2).